The following is an entry in ClinVar:

ClinVar aggregate classification (germline): Uncertain significance. Review status: criteria provided, multiple submitters, no conflicts (2 of 4 stars). 2 submissions from 2 submitters: Uncertain significance (2). Last evaluated 2022-09-01.

Conditions:
Isolated microphthalmia 5. Also called: Posterior Microphthalmia with Retinitis Pigmentosa, Foveoschisis, and Optic Disc Drusen. Identifiers: Orphanet 251279, MedGen C1970236, MONDO:0012605, OMIM 611040.

Allele frequency attached by ClinVar (database versions not stated): TOPMed 0.00008; gnomAD exomes 0.00006 and 0.00012; ExAC 0.00007; ESP Exome Variant Server 0.00008; 1000 Genomes Project 30x 0.00016; gnomAD 0.00010; 1000 Genomes Project 0.00020.
gnomAD v4.1: 182 of 1,610,620 alleles (0.011%); highest among the groups gnomAD compares: Non-Finnish European, 0.014%; no homozygotes.

Submissions (2):

Blueprint Genetics
Classification: Uncertain significance. Last evaluated: 2022-09-01. Review status: criteria provided, single submitter. Criteria: ACMG Guidelines, 2015. Collection method: clinical testing. Allele origin: germline.

Labcorp Genetics (formerly Invitae), Labcorp
Classification: Uncertain significance for Isolated microphthalmia 5. Last evaluated: 2022-07-28. Review status: criteria provided, single submitter. Criteria: Invitae Variant Classification Sherloc (09022015). Collection method: clinical testing. Allele origin: germline.
Comment: This sequence change replaces valine, which is neutral and non-polar, with isoleucine, which is neutral and non-polar, at codon 236 of the MFRP protein (p.Val236Ile). This variant is present in population databases (rs147276252, gnomAD 0.01%). This variant has not been reported in the literature in individuals affected with MFRP-related conditions. ClinVar contains an entry for this variant (Variation ID: 841139). Algorithms developed to predict the effect of missense changes on protein structure and function output the following: SIFT: "Tolerated"; PolyPhen-2: "Benign"; Align-GVGD: "Class C0". The isoleucine amino acid residue is found in multiple mammalian species, which suggests that this missense change does not adversely affect protein function. In summary, the available evidence is currently insufficient to determine the role of this variant in disease. Therefore, it has been classified as a Variant of Uncertain Significance.

NM_031433.4(MFRP):c.706G>A (p.Val236Ile)

Genes: C1QTNF5 (C1q and TNF related 5; minus strand), MFRP (membrane frizzled-related protein; minus strand). Cytogenetic location: 11q23.3.
Variant type: single nucleotide variant.
Coding change: c.706G>A on transcript NM_031433.4 (MANE Select); coding-DNA position 706, G replaced by A.
Protein change: p.Val236Ile; replaces valine 236 with isoleucine.
Molecular consequence: missense variant. On other transcripts: 5 prime UTR variant (1).
Genome position (GRCh38, 1-based): chr11:119,344,940, C>T on the plus strand (G>A on the coding strand, the complement: MFRP is on the minus strand). VCF-style: chr11-119344940-C-T. GRCh37 (hg19) VCF-style: chr11-119215650-C-T.
Other names: c.-1931G>A (NM_015645.5); short protein forms V236I.
Identifiers: ClinVar variation 841139 (VCV000841139.7), dbSNP rs147276252, ClinGen allele CA6320442.